The following is an entry in ClinVar:

NC_000023.10:g.(?_32398617)_(32663279_?)del

Gene: DMD (dystrophin; minus strand). Cytogenetic location: Xp21.1.
Variant type: Deletion.
Identifiers: ClinVar variation 1073293 (VCV001073293.7).

ClinVar aggregate classification (germline): Pathogenic (1 of 4 stars; one submission).

Conditions:
Duchenne muscular dystrophy (DMD). Also called: MUSCULAR DYSTROPHY, PSEUDOHYPERTROPHIC PROGRESSIVE, DUCHENNE TYPE; Duchenne Muscular Dystrophy (DMD). Identifiers: Orphanet 98896, MedGen C0013264, MONDO:0010679, OMIM 310200.

Submission:

Labcorp Genetics (formerly Invitae), Labcorp
Classification: Pathogenic for Duchenne muscular dystrophy. Last evaluated: 2021-09-09. Review status: criteria provided, single submitter. Criteria: Invitae Variant Classification Sherloc (09022015). Collection method: clinical testing. Allele origin: germline.
Comment: This variant is a gross deletion of the genomic region encompassing exon(s) 10-34 of the DMD gene. This variant would be expected to be in-frame, preserving the integrity of the reading frame. A similar copy number variant has been observed in individuals with Duchenne or Becker muscular dystrophy (PMID: 22776072, 23453023). The region of the DMD gene that includes exon(s) 13 has been determined to be clinically significant (PMID: 18353051, 22379338, 28116794, 28610567). Therefore, deletions that encompass that region are likely to be disease-causing. For these reasons, this variant has been classified as Pathogenic.

Literature cited by the submitters: PubMed 22776072; PubMed 23453023; PubMed 18353051; PubMed 22379338; PubMed 28116794; PubMed 28610567.